The following is an entry in ClinVar:

NM_017534.6(MYH2):c.5633A>G (p.Gln1878Arg)

Genes: MYH2 (myosin heavy chain 2; minus strand), MYHAS (myosin heavy chain gene cluster antisense RNA; plus strand). Cytogenetic location: 17p13.1.
Variant type: single nucleotide variant.
Coding change: c.5633A>G on transcript NM_017534.6 (MANE Select); coding-DNA position 5633, A replaced by G.
Protein change: p.Gln1878Arg; replaces glutamine 1878 with arginine.
Molecular consequence: missense variant.
Genome position (GRCh38, 1-based): chr17:10,523,130, T>C on the plus strand (A>G on the coding strand, the complement: MYH2 is on the minus strand). VCF-style: chr17-10523130-T-C. GRCh37 (hg19) VCF-style: chr17-10426447-T-C.
Other names: c.5633A>G, p.Gln1878Arg (NM_001100112.2); short protein forms Q1878R.
Identifiers: ClinVar variation 3719977 (VCV003719977.2).

ClinVar aggregate classification (germline): Uncertain significance (1 of 4 stars; one submission).

Conditions:
Myopathy, proximal, and ophthalmoplegia (CMYO6). Also called: MYOPATHY WITH CONGENITAL JOINT CONTRACTURES, OPHTHALMOPLEGIA, AND RIMMED VACUOLES; CONGENITAL MYOPATHY 6 WITH OPHTHALMOPLEGIA; INCLUSION BODY MYOPATHY 3, AUTOSOMAL DOMINANT. Identifiers: Orphanet 363677, Orphanet 79091, MedGen C1854106, MONDO:0011577, OMIM 605637.

gnomAD v4.1: 1 of 1,614,074 alleles (0.000062%); highest among the groups gnomAD compares: South Asian, 0.0011%; no homozygotes.

Submission:

Labcorp Genetics (formerly Invitae), Labcorp
Classification: Uncertain significance for Myopathy, proximal, and ophthalmoplegia. Last evaluated: 2025-02-03. Review status: criteria provided, single submitter. Criteria: Invitae Variant Classification Sherloc (09022015). Collection method: clinical testing. Allele origin: germline.
Comment: This sequence change replaces glutamine, which is neutral and polar, with arginine, which is basic and polar, at codon 1878 of the MYH2 protein (p.Gln1878Arg). The frequency data for this variant in the population databases is considered unreliable, as metrics indicate poor data quality at this position in the gnomAD database. This variant has not been reported in the literature in individuals affected with MYH2-related conditions. Invitae Evidence Modeling of protein sequence and biophysical properties (such as structural, functional, and spatial information, amino acid conservation, physicochemical variation, residue mobility, and thermodynamic stability) indicates that this missense variant is expected to disrupt MYH2 protein function with a positive predictive value of 80%. In summary, the available evidence is currently insufficient to determine the role of this variant in disease. Therefore, it has been classified as a Variant of Uncertain Significance.